The following is an entry in ClinVar:

ClinVar aggregate classification (germline): Uncertain significance. Review status: criteria provided, multiple submitters, no conflicts (2 of 4 stars). 2 submissions from 2 submitters: Uncertain significance (2). Last evaluated 2025-07-04.

Conditions:
Inborn genetic diseases. Identifiers: MedGen C0950123, MeSH D030342.
Joubert syndrome. Also called: CEREBELLOPARENCHYMAL DISORDER IV; JOUBERT-BOLTSHAUSER SYNDROME; Familial aplasia of the vermis. Identifiers: Orphanet 475, MedGen C5979921, MONDO:0018772.
Meckel-Gruber syndrome. Also called: DYSENCEPHALIA SPLANCHNOCYSTICA; GRUBER SYNDROME; Dysencephalia splachnocystica. Identifiers: Orphanet 564, MedGen C0265215, MONDO:0018921.

gnomAD v4.1: 17 of 1,613,972 alleles (0.0011%); highest among the groups gnomAD compares: Non-Finnish European, 0.0014%; no homozygotes.

Submissions (2):

Ambry Genetics
Classification: Uncertain significance for Inborn genetic diseases. Last evaluated: 2025-07-04. Review status: criteria provided, single submitter. Criteria: Ambry Variant Classification Scheme 2023. Collection method: clinical testing. Allele origin: germline.

Labcorp Genetics (formerly Invitae), Labcorp
Classification: Uncertain significance for Joubert syndrome; Meckel-Gruber syndrome. Last evaluated: 2022-10-05. Review status: criteria provided, single submitter. Criteria: Invitae Variant Classification Sherloc (09022015). Collection method: clinical testing. Allele origin: germline.
Comment: This sequence change replaces arginine, which is basic and polar, with leucine, which is neutral and non-polar, at codon 39 of the RPGRIP1L protein (p.Arg39Leu). This variant is not present in population databases (gnomAD no frequency). This variant has not been reported in the literature in individuals affected with RPGRIP1L-related conditions. Advanced modeling of protein sequence and biophysical properties (such as structural, functional, and spatial information, amino acid conservation, physicochemical variation, residue mobility, and thermodynamic stability) performed at Invitae indicates that this missense variant is expected to disrupt RPGRIP1L protein function. In summary, the available evidence is currently insufficient to determine the role of this variant in disease. Therefore, it has been classified as a Variant of Uncertain Significance.

NM_015272.5(RPGRIP1L):c.116G>T (p.Arg39Leu)

Gene: RPGRIP1L (RPGRIP1 like; minus strand). Cytogenetic location: 16q12.2.
Variant type: single nucleotide variant.
Coding change: c.116G>T on transcript NM_015272.5 (MANE Select); coding-DNA position 116, G replaced by T.
Protein change: p.Arg39Leu; replaces arginine 39 with leucine.
Molecular consequence: missense variant.
Genome position (GRCh38, 1-based): chr16:53,696,265, C>A on the plus strand (G>T on the coding strand, the complement: RPGRIP1L is on the minus strand). VCF-style: chr16-53696265-C-A. GRCh37 (hg19) VCF-style: chr16-53730177-C-A.
Other names: c.116G>T, p.Arg39Leu (NM_001127897.4, NM_001308334.3, NM_001328422.2 and 2 more transcripts); c.116G>T (NM_015272.2); short protein forms R39L.
Identifiers: ClinVar variation 2428003 (VCV002428003.6), dbSNP rs886042345, ClinGen allele CA281377809.
Genomic context (GRCh38, chr16:53,696,265, plus strand): 5'-TCATGCAAACGCAAAAATCTGTCTTCCAGTTCCTCACGACTGACACGTGACACTGCCTGG[C>A]GAGACTTCATTGTCCGTGTTGTTGAAGTTTCTGCAAAAATGCCAAGATAATTAATTGTGA-3'
Protein context (NP_056087.2, residues 29-49): ETSTTRTMKS[Arg39Leu]QAVSRVSREE